The following is an entry in ClinVar:

NM_000202.8(IDS):c.984del (p.Ile329fs)

Genes: IDS (iduronate 2-sulfatase; minus strand), LOC106050102 (IDS recombination region; plus strand). Cytogenetic location: Xq28.
Variant type: Deletion.
Coding change: c.984del on transcript NM_000202.8 (MANE Select); coding-DNA position 984, one base deleted (C; older notation c.984delC).
Protein change: p.Ile329fs; shifts the reading frame from isoleucine 329.
Molecular consequence: frameshift variant. On other transcripts: non-coding transcript variant (1).
Genome position (GRCh38, 1-based): chrX:149,490,336, G deleted on the plus strand (C on the coding strand, the reverse complement: IDS is on the minus strand). VCF-style (leftmost placement, unchanged base first): chrX-149490335-TG-T. GRCh37 (hg19) VCF-style: chrX-148571866-TG-T.
Other names: c.714del, p.Ile239fs (NM_001166550.4); c.984del, p.Ile329fs (NM_006123.5); short protein forms I329fs, I239fs.
Identifiers: ClinVar variation 654393 (VCV000654393.6), dbSNP rs1602734459, ClinGen allele CA915952046.

ClinVar aggregate classification (germline): Pathogenic (1 of 4 stars; one submission).

Conditions:
Mucopolysaccharidosis, MPS-II (MPS2). Also called: Mucopolysaccharidosis with skin involvement; IDURONATE 2-SULFATASE DEFICIENCY; Mucopolysaccharidosis Type II; IDS deficiency; Sulfoiduronate sulfatase deficiency; SIDS deficiency. Identifiers: Orphanet 580, Orphanet 79388, MedGen C0026705, MONDO:0010674, OMIM 309900.

Submission:

Labcorp Genetics (formerly Invitae), Labcorp
Classification: Pathogenic for Mucopolysaccharidosis, MPS-II. Last evaluated: 2018-10-29. Review status: criteria provided, single submitter. Criteria: Invitae Variant Classification Sherloc (09022015). Collection method: clinical testing. Allele origin: germline.
Comment: This sequence change creates a premature translational stop signal (p.Ile329Leufs*11) in the IDS gene. It is expected to result in an absent or disrupted protein product. For these reasons, this variant has been classified as Pathogenic. Loss-of-function variants in IDS are known to be pathogenic (PMID: 8940265, 9875019). This variant has not been reported in the literature in individuals with IDS-related disease. This variant is not present in population databases (ExAC no frequency).

Literature cited by the submitters: PubMed 8940265; PubMed 9875019.